The following is an entry in ClinVar:

ClinVar aggregate classification (germline): Uncertain significance (1 of 4 stars; one submission).

Allele frequency attached by ClinVar (database versions not stated): gnomAD exomes below 0.00001; TOPMed 0.00002.
gnomAD v4.1: 1 of 1,614,078 alleles (0.000062%); highest among the groups gnomAD compares: Non-Finnish European, 0.000085%; no homozygotes.

Submission:

GeneDx
Classification: Uncertain significance. Last evaluated: 2020-02-10. Review status: criteria provided, single submitter. Criteria: GeneDx Variant Classification Process June 2021. Collection method: clinical testing. Allele origin: germline. Affected: yes.
Comment: Not observed at a significant frequency in large population cohorts (Lek et al., 2016); In silico analysis supports that this missense variant does not alter protein structure/function; Has not been previously published as pathogenic or benign to our knowledge

NM_203446.3(SYNJ1):c.3067G>A (p.Glu1023Lys)

Gene: SYNJ1 (synaptojanin 1; minus strand). Cytogenetic location: 21q22.11.
Variant type: single nucleotide variant.
Coding change: c.3067G>A on transcript NM_203446.3 (MANE Select); coding-DNA position 3067, G replaced by A.
Protein change: p.Glu1023Lys; replaces glutamic acid 1023 with lysine.
Molecular consequence: missense variant.
Genome position (GRCh38, 1-based): chr21:32,646,573, C>T on the plus strand (G>A on the coding strand, the complement: SYNJ1 is on the minus strand). VCF-style: chr21-32646573-C-T. GRCh37 (hg19) VCF-style: chr21-34018883-C-T.
Other names: c.3067G>A, p.Glu1023Lys (NM_001160302.2); c.3052G>A, p.Glu1018Lys (NM_001160306.2); c.3184G>A, p.Glu1062Lys (NM_003895.4); short protein forms E1018K, E1023K, E1062K.
Identifiers: ClinVar variation 1315229 (VCV001315229.2), dbSNP rs1397187104, ClinGen allele CA410069777.